The following is an entry in ClinVar:

ClinVar aggregate classification (germline): Pathogenic (1 of 4 stars; one submission).

Submission:

Labcorp Genetics (formerly Invitae), Labcorp
Classification: Pathogenic. Last evaluated: 2026-01-16. Review status: criteria provided, single submitter. Criteria: Invitae Variant Classification Sherloc (09022015). Collection method: clinical testing. Allele origin: germline.
Comment: This sequence change creates a premature translational stop signal (p.Tyr607Phefs*8) in the CPLANE1 gene. It is expected to result in an absent or disrupted protein product. Loss-of-function variants in CPLANE1 are known to be pathogenic (PMID: 24178751, 26092869). This variant is not present in population databases (gnomAD no frequency). This variant has not been reported in the literature in individuals affected with CPLANE1-related conditions. For these reasons, this variant has been classified as Pathogenic.

Literature cited by the submitters: PubMed 24178751; PubMed 26092869.

NM_001384732.1(CPLANE1):c.1815_1819dup (p.Tyr607fs)

Gene: CPLANE1 (ciliogenesis and planar polarity effector complex subunit 1; minus strand). Cytogenetic location: 5p13.2.
Variant type: Duplication.
Coding change: c.1815_1819dup on transcript NM_001384732.1 (MANE Select); coding-DNA positions 1815 to 1819, 5 bases duplicated (TTTTT; older notation c.1815_1819dupTTTTT).
Protein change: p.Tyr607fs; shifts the reading frame from tyrosine 607.
Molecular consequence: frameshift variant.
Genome position (GRCh38, 1-based): chr5:37,226,776-37,226,780, AAAAA duplicated on the plus strand (TTTTT on the coding strand, the reverse complement: CPLANE1 is on the minus strand); duplicating any 5 consecutive bases within chr5:37,226,776-37,226,783 gives the same sequence; the c. name uses the placement nearest the transcript's 3' end. VCF-style (leftmost placement, unchanged base first): chr5-37226775-T-TAAAAA. GRCh37 (hg19) VCF-style: chr5-37226877-T-TAAAAA.
Other names: c.1815_1819dup, p.Tyr607fs (NM_023073.4); short protein forms Y607fs.
Identifiers: ClinVar variation 4807128 (VCV004807128.1).